The following is an entry in ClinVar:

NM_000090.4(COL3A1):c.825G>C (p.Lys275Asn)

Gene: COL3A1 (collagen type III alpha 1 chain; plus strand). Cytogenetic location: 2q32.2.
Variant type: single nucleotide variant.
Coding change: c.825G>C on transcript NM_000090.4 (MANE Select); coding-DNA position 825, G replaced by C.
Protein change: p.Lys275Asn; replaces lysine 275 with asparagine.
Molecular consequence: missense variant.
Genome position (GRCh38, 1-based): chr2:188,991,030, G>C. VCF-style: chr2-188991030-G-C. GRCh37 (hg19) VCF-style: chr2-189855756-G-C.
Other names: short protein forms K275N.
Identifiers: ClinVar variation 2880449 (VCV002880449.3), dbSNP rs754262933, ClinGen allele CA349849797.
Genomic context (GRCh38, chr2:188,991,030, plus strand): 5'-TTTAATAATTTTGCTGGTTTTATACATTTCCTAGGGCTTCGATGGACGAAATGGAGAAAA[G>C]GGTGAAACAGGTGCTCCTGGATTAAAGGTAAATCACAACAAAAATCATATTTTCATAAGT-3'
Protein context (NP_000081.2, residues 265-285): HRGFDGRNGE[Lys275Asn]GETGAPGLKG

ClinVar aggregate classification (germline): Uncertain significance (1 of 4 stars; one submission).

Conditions:
Ehlers-Danlos syndrome, type 4 (EDSVASC). Also called: Ehlers-Danlos syndrome vascular type; Ehlers Danlos syndrome, ecchymotic type; Ehlers Danlos syndrome, arterial type; Ehlers Danlos syndrome, Sack-Barabas type; Ehlers-Danlos Syndrome Type IV. Identifiers: Orphanet 286, MedGen C0268338, MONDO:0017314, OMIM 130050.

Submission:

Labcorp Genetics (formerly Invitae), Labcorp
Classification: Uncertain significance for Ehlers-Danlos syndrome, type 4. Last evaluated: 2023-01-18. Review status: criteria provided, single submitter. Criteria: Invitae Variant Classification Sherloc (09022015). Collection method: clinical testing. Allele origin: germline.
Comment: This variant is not present in population databases (gnomAD no frequency). This sequence change replaces lysine, which is basic and polar, with asparagine, which is neutral and polar, at codon 275 of the COL3A1 protein (p.Lys275Asn). Advanced modeling of protein sequence and biophysical properties (such as structural, functional, and spatial information, amino acid conservation, physicochemical variation, residue mobility, and thermodynamic stability) performed at Invitae indicates that this missense variant is not expected to disrupt COL3A1 protein function. This variant has not been reported in the literature in individuals affected with COL3A1-related conditions. In summary, the available evidence is currently insufficient to determine the role of this variant in disease. Therefore, it has been classified as a Variant of Uncertain Significance.